The following is an entry in ClinVar:

ClinVar aggregate classification (germline): Uncertain significance (1 of 4 stars; one submission).

Conditions:
ABCB11-related disorder. Also called: ABCB11-related condition.

Submission:

PreventionGenetics, part of Exact Sciences
Classification: Uncertain significance for ABCB11-related condition. Last evaluated: 2025-11-21. Review status: criteria provided, single submitter. Criteria: ACMG Guidelines, 2015. Collection method: clinical testing. Allele origin: germline.
Comment: The ABCB11 c.1135T>C variant is predicted to result in the amino acid substitution p.Cys379Arg. To our knowledge, this variant has not been reported in the literature or in a large population database (gnomAD), indicating this variant is rare. At this time, the clinical significance of this variant is uncertain due to the absence of conclusive functional and genetic evidence.

NM_003742.4(ABCB11):c.1135T>C (p.Cys379Arg)

Gene: ABCB11 (ATP binding cassette subfamily B member 11; minus strand). Cytogenetic location: 2q31.1.
Variant type: single nucleotide variant.
Coding change: c.1135T>C on transcript NM_003742.4 (MANE Select); coding-DNA position 1135, T replaced by C.
Protein change: p.Cys379Arg; replaces cysteine 379 with arginine.
Molecular consequence: missense variant.
Genome position (GRCh38, 1-based): chr2:168,979,928, A>G on the plus strand (T>C on the coding strand, the complement: ABCB11 is on the minus strand). VCF-style: chr2-168979928-A-G. GRCh37 (hg19) VCF-style: chr2-169836438-A-G.
Other names: short protein forms C379R.
Identifiers: ClinVar variation 4992071 (VCV004992071.1).
Genomic context (GRCh38, chr2:168,979,928, plus strand): 5'-TGTCTATTGTCTCAAAAATGCTGGTGGCTGCTGCACGTCCAGTTGCAAAGGCTTCCAAAC[A>G]AGGAGAGGCATTGCCAAGATTTAAAGCTCCTACTATGACACTGAGGAAAATCTGAAATGA-3'
Protein context (NP_003733.2, residues 369-389): GALNLGNASP[Cys379Arg]LEAFATGRAA